The following is an entry in ClinVar:

NM_001933.5(DLST):c.576G>A (p.Gln192=)

Gene: DLST (dihydrolipoamide S-succinyltransferase; plus strand). Cytogenetic location: 14q24.3.
Variant type: single nucleotide variant.
Coding change: c.576G>A on transcript NM_001933.5 (MANE Select); coding-DNA position 576, G replaced by A.
Protein change: p.Gln192=; no amino-acid change (glutamine 192 retained).
Molecular consequence: synonymous variant. On other transcripts: non-coding transcript variant (2).
Genome position (GRCh38, 1-based): chr14:74,892,967, G>A. VCF-style: chr14-74892967-G-A. GRCh37 (hg19) VCF-style: chr14-75359670-G-A.
Other names: c.576G>A (NM_001933.4).
Identifiers: ClinVar variation 2788063 (VCV002788063.5), dbSNP rs2230237, ClinGen allele CA7273543.

ClinVar aggregate classification (germline): Benign. Review status: criteria provided, single submitter (1 of 4 stars). 2 submissions from 2 submitters: Benign (1). 1 of the submissions does not count toward it. Last evaluated 2026-02-03.

Conditions:
DLST-related disorder. Also called: DLST-related condition.

Allele frequency attached by ClinVar (database versions not stated): ESP Exome Variant Server 0.65485; ExAC 0.58819; 1000 Genomes Project 30x 0.67302; gnomAD exomes 0.55380; TOPMed 0.64559; gnomAD 0.64938; 1000 Genomes Project 0.66593.
gnomAD v4.1: 907,370 of 1,612,288 alleles (56%); highest among the groups gnomAD compares: African/African-American, 92%; 262,674 homozygotes.

Submissions (2):

Labcorp Genetics (formerly Invitae), Labcorp
Classification: Benign. Last evaluated: 2026-02-03. Review status: criteria provided, single submitter. Criteria: Invitae Variant Classification Sherloc (09022015). Collection method: clinical testing. Allele origin: germline.

PreventionGenetics, part of Exact Sciences
Classification: Benign for DLST-related condition. Last evaluated: 2019-10-17. Review status: no assertion criteria provided. Collection method: clinical testing. Allele origin: germline. Not counted in ClinVar's aggregate classification.
Comment: This variant is classified as benign based on ACMG/AMP sequence variant interpretation guidelines (Richards et al. 2015 PMID: 25741868, with internal and published modifications).